The following is an entry in ClinVar:

NM_001127649.3(PEX26):c.-22G>A

Genes: PEX26 (peroxisomal biogenesis factor 26; plus strand), LOC130066940 (ATAC-STARR-seq lymphoblastoid silent region 13448; plus strand). Cytogenetic location: 22q11.21.
Variant type: single nucleotide variant.
Coding change: c.-22G>A on transcript NM_001127649.3 (MANE Select); 22 bases upstream of the start codon, G replaced by A.
Molecular consequence: 5 prime UTR variant.
Genome position (GRCh38, 1-based): chr22:18,078,355, G>A. VCF-style: chr22-18078355-G-A. GRCh37 (hg19) VCF-style: chr22-18561121-G-A.
Other names: c.-22G>A (NM_001199319.2, NM_017929.6).
Identifiers: ClinVar variation 4886218 (VCV004886218.2).
Genomic context (GRCh38, chr22:18,078,355, plus strand): 5'-GGCCAACTCGGGATATCCCGGAGCCTCTGGGGAGGCGGTCACTCCGACGTCTGAGGACCT[G>A]GGCCTTGGACCCGGACTCGTTATGAAGAGCGATTCTTCGACCTCTGCAGCCCCCCTCAGG-3'

ClinVar aggregate classification (germline): Uncertain significance (1 of 4 stars; one submission).

Submission:

Dasa
Classification: Uncertain significance. Last evaluated: 2026-02-10. Review status: criteria provided, single submitter. Criteria: DASA Assertion Criteria. Collection method: clinical testing. Allele origin: germline.
Comment: NM_001127649.3(PEX26):c.-22G>A is an intronic variant. This variant is rare in population databases. The currently available literature and clinical evidence are not sufficient to establish a definitive association between this variant and the reported condition. Therefore, this variant is classified as a variant of uncertain significance.